The following is an entry in ClinVar:

NM_015488.5(PNKD):c.292C>A (p.Arg98Ser)

Genes: CATIP-AS2 (CATIP antisense RNA 2; minus strand), PNKD (PNKD metallo-beta-lactamase domain containing; plus strand). Cytogenetic location: 2q35.
Variant type: single nucleotide variant.
Coding change: c.292C>A on transcript NM_015488.5 (MANE Select); coding-DNA position 292, C replaced by A.
Protein change: p.Arg98Ser; replaces arginine 98 with serine.
Molecular consequence: missense variant.
Genome position (GRCh38, 1-based): chr2:218,339,838, C>A. VCF-style: chr2-218339838-C-A. GRCh37 (hg19) VCF-style: chr2-219204561-C-A.
Other names: c.220C>A, p.Arg74Ser (NM_022572.5); short protein forms R98S, R74S.
Identifiers: ClinVar variation 2797643 (VCV002797643.3), dbSNP rs1362020055, ClinGen allele CA350538184.

ClinVar aggregate classification (germline): Uncertain significance (1 of 4 stars; one submission).

Conditions:
Paroxysmal nonkinesigenic dyskinesia. Also called: Paroxysmal non-kinesigenic dyskinesia. Identifiers: Orphanet 98810, MedGen C1869117, MONDO:0700088.

gnomAD v4.1: 3 of 1,613,626 alleles (0.00019%); highest among the groups gnomAD compares: Non-Finnish European, 0.00025%; no homozygotes.

Submission:

Labcorp Genetics (formerly Invitae), Labcorp
Classification: Uncertain significance for Paroxysmal nonkinesigenic dyskinesia. Last evaluated: 2023-03-16. Review status: criteria provided, single submitter. Criteria: Invitae Variant Classification Sherloc (09022015). Collection method: clinical testing. Allele origin: germline.
Comment: This variant has not been reported in the literature in individuals affected with PNKD-related conditions. This variant is not present in population databases (gnomAD no frequency). This sequence change replaces arginine, which is basic and polar, with serine, which is neutral and polar, at codon 98 of the PNKD protein (p.Arg98Ser). In summary, the available evidence is currently insufficient to determine the role of this variant in disease. Therefore, it has been classified as a Variant of Uncertain Significance. Advanced modeling of protein sequence and biophysical properties (such as structural, functional, and spatial information, amino acid conservation, physicochemical variation, residue mobility, and thermodynamic stability) performed at Invitae indicates that this missense variant is not expected to disrupt PNKD protein function.